The following is an entry in ClinVar:

NM_020999.4(NEUROG3):c.517T>C (p.Tyr173His)

Gene: NEUROG3 (neurogenin 3; minus strand). Cytogenetic location: 10q22.1.
Variant type: single nucleotide variant.
Coding change: c.517T>C on transcript NM_020999.4 (MANE Select); coding-DNA position 517, T replaced by C.
Protein change: p.Tyr173His; replaces tyrosine 173 with histidine.
Molecular consequence: missense variant.
Genome position (GRCh38, 1-based): chr10:69,572,527, A>G on the plus strand (T>C on the coding strand, the complement: NEUROG3 is on the minus strand). VCF-style: chr10-69572527-A-G. GRCh37 (hg19) VCF-style: chr10-71332283-A-G.
Other names: short protein forms Y173H.
Identifiers: ClinVar variation 1982357 (VCV001982357.4), dbSNP rs2540709474, ClinGen allele CA376921642.
Genomic context (GRCh38, chr10:69,572,527, plus strand): 5'-CGGGTCGCTCCTCCAGCGACGCGGCGGGACTCAGGCTGCCAGCCTGGGAGACTGGGGAGT[A>G]GAGGGACCCCCAGTCCCCGGGGGAACCGCCTGGGCTGCCCAGCTCCCCGCAGTGCGGCGC-3'
Protein context (NP_066279.2, residues 163-183): GGSPGDWGSL[Tyr173His]SPVSQAGSLS

ClinVar aggregate classification (germline): Uncertain significance (1 of 4 stars; one submission).

Allele frequency attached by ClinVar (database versions not stated): gnomAD exomes below 0.00001.

Submission:

Labcorp Genetics (formerly Invitae), Labcorp
Classification: Uncertain significance. Last evaluated: 2022-06-16. Review status: criteria provided, single submitter. Criteria: Invitae Variant Classification Sherloc (09022015). Collection method: clinical testing. Allele origin: germline.
Comment: This sequence change replaces tyrosine, which is neutral and polar, with histidine, which is basic and polar, at codon 173 of the NEUROG3 protein (p.Tyr173His). This variant is not present in population databases (gnomAD no frequency). This variant has not been reported in the literature in individuals affected with NEUROG3-related conditions. Algorithms developed to predict the effect of missense changes on protein structure and function are either unavailable or do not agree on the potential impact of this missense change (SIFT: "Deleterious"; PolyPhen-2: "Probably Damaging"; Align-GVGD: "Class C0"). In summary, the available evidence is currently insufficient to determine the role of this variant in disease. Therefore, it has been classified as a Variant of Uncertain Significance.